The following is an entry in ClinVar:

ClinVar aggregate classification (germline): Uncertain significance (1 of 4 stars; one submission).

Conditions:
Galactosylceramide beta-galactosidase deficiency. Also called: Leukodystrophy, Globoid Cell; GALACTOCEREBROSIDASE DEFICIENCY; GALC DEFICIENCY; GLOBOID CELL LEUKOENCEPHALOPATHY; Krabbe Disease. Identifiers: Orphanet 487, MedGen C0023521, MONDO:0009499, OMIM 245200.

Allele frequency attached by ClinVar (database versions not stated): gnomAD exomes below 0.00001; TOPMed below 0.00001.
gnomAD v4.1: 4 of 1,585,786 alleles (0.00025%); highest among the groups gnomAD compares: Middle Eastern, 0.017%; no homozygotes.

Submission:

Labcorp Genetics (formerly Invitae), Labcorp
Classification: Uncertain significance for Galactosylceramide beta-galactosidase deficiency. Last evaluated: 2024-11-04. Review status: criteria provided, single submitter. Criteria: Invitae Variant Classification Sherloc (09022015). Collection method: clinical testing. Allele origin: germline.
Comment: This sequence change replaces alanine, which is neutral and non-polar, with glycine, which is neutral and non-polar, at codon 24 of the GALC protein (p.Ala24Gly). This variant is not present in population databases (gnomAD no frequency). This variant has not been reported in the literature in individuals affected with GALC-related conditions. ClinVar contains an entry for this variant (Variation ID: 2158674). Invitae Evidence Modeling of protein sequence and biophysical properties (such as structural, functional, and spatial information, amino acid conservation, physicochemical variation, residue mobility, and thermodynamic stability) indicates that this missense variant is not expected to disrupt GALC protein function with a negative predictive value of 95%. In summary, the available evidence is currently insufficient to determine the role of this variant in disease. Therefore, it has been classified as a Variant of Uncertain Significance.

NM_000153.4(GALC):c.71C>G (p.Ala24Gly)

Gene: GALC (galactosylceramidase; minus strand). Cytogenetic location: 14q31.3.
Variant type: single nucleotide variant.
Coding change: c.71C>G on transcript NM_000153.4 (MANE Select); coding-DNA position 71, C replaced by G.
Protein change: p.Ala24Gly; replaces alanine 24 with glycine.
Molecular consequence: missense variant. On other transcripts: intron variant (1).
Genome position (GRCh38, 1-based): chr14:87,993,094, G>C on the plus strand (C>G on the coding strand, the complement: GALC is on the minus strand). VCF-style: chr14-87993094-G-C. GRCh37 (hg19) VCF-style: chr14-88459438-G-C.
Other names: c.71C>G, p.Ala24Gly (NM_001201401.2); c.117+289C>G (NM_001201402.2); short protein forms A24G.
Identifiers: ClinVar variation 2158674 (VCV002158674.3), dbSNP rs1379802641, ClinGen allele CA390771958.